The following is an entry in ClinVar:

NM_022765.4(MICAL1):c.489_494del (p.Leu164_Leu165del)

Gene: MICAL1 (microtubule associated monooxygenase, calponin and LIM domain containing 1; minus strand). Cytogenetic location: 6q21.
Variant type: Deletion.
Coding change: c.489_494del on transcript NM_022765.4 (MANE Select); coding-DNA positions 489 to 494, 6 bases deleted (TCTGCT; older notation c.489_494delTCTGCT).
Protein change: p.Leu164_Leu165del.
Molecular consequence: inframe deletion.
Genome position (GRCh38, 1-based): chr6:109,453,340-109,453,345, AGCAGA deleted on the plus strand (TCTGCT on the coding strand, the reverse complement: MICAL1 is on the minus strand); deleting any 6 consecutive bases within chr6:109,453,340-109,453,350 gives the same sequence; the c. name uses the placement nearest the transcript's 3' end. VCF-style (leftmost placement, unchanged base first): chr6-109453339-CAGCAGA-C. GRCh37 (hg19) VCF-style: chr6-109774542-CAGCAGA-C.
Other names: c.489_494del, p.Leu164_Leu165del (NM_001159291.2); c.546_551del, p.Leu183_Leu184del (NM_001286613.2).
Identifiers: ClinVar variation 2750243 (VCV002750243.3), dbSNP rs2482813082, ClinGen allele CA2697553653.

ClinVar aggregate classification (germline): Uncertain significance (1 of 4 stars; one submission).

Submission:

Labcorp Genetics (formerly Invitae), Labcorp
Classification: Uncertain significance. Last evaluated: 2023-05-30. Review status: criteria provided, single submitter. Criteria: Invitae Variant Classification Sherloc (09022015). Collection method: clinical testing. Allele origin: germline.
Comment: In summary, the available evidence is currently insufficient to determine the role of this variant in disease. Therefore, it has been classified as a Variant of Uncertain Significance. This variant has not been reported in the literature in individuals affected with MICAL1-related conditions. This variant is not present in population databases (gnomAD no frequency). This variant, c.546_551del, results in the deletion of 2 amino acid(s) of the MICAL1 protein (p.Leu183_Leu184del), but otherwise preserves the integrity of the reading frame. Experimental studies and prediction algorithms are not available or were not evaluated, and the functional significance of this variant is currently unknown.